The following is an entry in ClinVar:

ClinVar aggregate classification (germline): Conflicting classifications of pathogenicity. Review status: criteria provided, conflicting classifications (1 of 4 stars). 5 submissions from 5 submitters: Uncertain significance (3); Likely benign (1). 1 of the submissions does not count toward it. Last evaluated 2022-10-18.

Conditions:
IGHMBP2-related disorder. Also called: IGHMBP2-related condition; IGHMBP2-related disorders.
Inborn genetic diseases. Identifiers: MedGen C0950123, MeSH D030342.
Charcot-Marie-Tooth disease axonal type 2S. Also called: CHARCOT-MARIE-TOOTH NEUROPATHY, TYPE 2S; CHARCOT-MARIE-TOOTH DISEASE, AXONAL, AUTOSOMAL RECESSIVE, TYPE 2S. Identifiers: Orphanet 443073, MedGen C4015349, MONDO:0014511, OMIM 616155.
Autosomal recessive distal spinal muscular atrophy 1. Also called: HMN VI; NEURONOPATHY, SEVERE INFANTILE AXONAL, WITH RESPIRATORY FAILURE; SEVERE INFANTILE AXONAL NEUROPATHY WITH RESPIRATORY FAILURE; SPINAL MUSCULAR ATROPHY, DIAPHRAGMATIC; Spinal muscular atrophy with respiratory distress 1; NEURONOPATHY, DISTAL HEREDITARY MOTOR, HARDING TYPE VI. Identifiers: Orphanet 98920, MedGen C1858517, MONDO:0011436, OMIM 604320.

Allele frequency attached by ClinVar (database versions not stated): gnomAD exomes 0.00002; gnomAD 0.00004 and 0.00005; ExAC 0.00005; TOPMed 0.00006.
gnomAD v4.1: 247 of 1,602,532 alleles (0.015%); highest among the groups gnomAD compares: Non-Finnish European, 0.02%; no homozygotes.

Submissions (5):

Labcorp Genetics (formerly Invitae), Labcorp
Classification: Uncertain significance for Autosomal recessive distal spinal muscular atrophy 1; Charcot-Marie-Tooth disease axonal type 2S. Last evaluated: 2022-10-18. Review status: criteria provided, single submitter. Criteria: Invitae Variant Classification Sherloc (09022015). Collection method: clinical testing. Allele origin: germline.
Comment: This sequence change falls in intron 11 of the IGHMBP2 gene. It does not directly change the encoded amino acid sequence of the IGHMBP2 protein. It affects a nucleotide within the consensus splice site. This variant is present in population databases (rs775832239, gnomAD 0.005%). This variant has not been reported in the literature in individuals affected with IGHMBP2-related conditions. ClinVar contains an entry for this variant (Variation ID: 509916). Variants that disrupt the consensus splice site are a relatively common cause of aberrant splicing (PMID: 17576681, 9536098). Algorithms developed to predict the effect of sequence changes on RNA splicing suggest that this variant is not likely to affect RNA splicing. In summary, the available evidence is currently insufficient to determine the role of this variant in disease. Therefore, it has been classified as a Variant of Uncertain Significance.

Ambry Genetics
Classification: Uncertain significance for Inborn genetic diseases. Last evaluated: 2022-01-05. Review status: criteria provided, single submitter. Criteria: Ambry Variant Classification Scheme 2023. Collection method: clinical testing. Allele origin: germline.
Comment: The c.1632+4C>T intronic variant results from a C to T substitution 4 nucleotides after coding exon 11 in the IGHMBP2 gene. This nucleotide position is poorly conserved in available vertebrate species. In silico splice site analysis predicts that this alteration will not have any significant effect on splicing. Since supporting evidence is limited at this time, the clinical significance of this alteration remains unclear.

Mayo Clinic Laboratories, Mayo Clinic
Classification: Uncertain significance. Last evaluated: 2020-12-18. Review status: criteria provided, single submitter. Criteria: ACMG Guidelines, 2015. Collection method: clinical testing. Allele origin: germline. Observed: 1 variant allele.

GeneDx
Classification: Likely benign. Last evaluated: 2019-02-25. Review status: criteria provided, single submitter. Criteria: GeneDx Variant Classification Process June 2021. Collection method: clinical testing. Allele origin: germline. Affected: yes.

PreventionGenetics, part of Exact Sciences
Classification: Likely benign for IGHMBP2-related condition. Last evaluated: 2019-08-06. Review status: no assertion criteria provided. Collection method: clinical testing. Allele origin: germline. Not counted in ClinVar's aggregate classification.
Comment: This variant is classified as likely benign based on ACMG/AMP sequence variant interpretation guidelines (Richards et al. 2015 PMID: 25741868, with internal and published modifications).

Literature cited by the submitters: PubMed 17576681 (cited by Labcorp Genetics (formerly Invitae), Labcorp); PubMed 9536098 (cited by Labcorp Genetics (formerly Invitae), Labcorp).

NM_002180.3(IGHMBP2):c.1632+4C>T

Genes: IGHMBP2 (immunoglobulin mu DNA binding protein 2; plus strand), LOC126861245 (CDK7 strongly-dependent group 2 enhancer GRCh37_chr11:68701479-68702678; plus strand). Cytogenetic location: 11q13.3.
Variant type: single nucleotide variant.
Coding change: c.1632+4C>T on transcript NM_002180.3 (MANE Select); 4 bases into the intron after coding-DNA position 1632, C replaced by T.
Molecular consequence: intron variant.
Genome position (GRCh38, 1-based): chr11:68,934,562, C>T. VCF-style: chr11-68934562-C-T. GRCh37 (hg19) VCF-style: chr11-68702030-C-T.
Identifiers: ClinVar variation 509916 (VCV000509916.19), dbSNP rs775832239, ClinGen allele CA6153719.